The following is an entry in ClinVar:

NM_001164463.1(RGPD8):c.4185G>T (p.Val1395=)

Gene: RGPD8 (RANBP2 like and GRIP domain containing 8; minus strand). Cytogenetic location: 2q14.1.
Variant type: single nucleotide variant.
Coding change: c.4185G>T on transcript NM_001164463.1 (MANE Select); coding-DNA position 4185, G replaced by T.
Protein change: p.Val1395=; no amino-acid change (valine 1395 retained).
Molecular consequence: synonymous variant.
Genome position (GRCh38, 1-based): chr2:112,388,760, C>A on the plus strand (G>T on the coding strand, the complement: RGPD8 is on the minus strand). VCF-style: chr2-112388760-C-A. GRCh37 (hg19) VCF-style: chr2-113146337-C-A.
Identifiers: ClinVar variation 2651276 (VCV002651276.24), dbSNP rs1461965981, ClinGen allele CA428550764.
Genomic context (GRCh38, chr2:112,388,760, plus strand): 5'-ACTCATGTCTGGAGTTATTCTGTGATTGGCACAAAGTTTTAATACTTGGTCCCTTCTCAT[C>A]ACTATACGAACTTGCTTATTATCATAATTCTGTAAAATCTTTATATCACCAATGCCCCTT-3'
Protein context (NP_001157935.1, residues 1385-1405): QNYDNKQVRI[Val1395=]MRRDQVLKLC

ClinVar aggregate classification (germline): Likely benign (1 of 4 stars; one submission).

Submission:

CeGaT Center for Human Genetics Tuebingen
Classification: Likely benign. Last evaluated: 2022-03-01. Review status: criteria provided, single submitter. Criteria: CeGaT Center For Human Genetics Tuebingen Variant Classification Criteria Version 2. Collection method: clinical testing. Allele origin: germline. Affected: yes. Observed: 1 variant allele.
Comment: RGPD8: BP4, BP7